The following is an entry in ClinVar:

NM_006180.6(NTRK2):c.1397-50473A>G

Gene: NTRK2 (neurotrophic receptor tyrosine kinase 2; plus strand). Cytogenetic location: 9q21.33.
Variant type: single nucleotide variant.
Coding change: c.1397-50473A>G on transcript NM_006180.6 (MANE Select); 50473 bases into the intron before coding-DNA position 1397, A replaced by G.
Molecular consequence: intron variant. On other transcripts: synonymous variant (15), 3 prime UTR variant (1).
Genome position (GRCh38, 1-based): chr9:84,810,567, A>G. VCF-style: chr9-84810567-A-G. GRCh37 (hg19) VCF-style: chr9-87425482-A-G.
Other names: c.1422A>G, p.Pro474= (NM_001007097.3, NM_001369539.1, NM_001369540.1 and 7 more transcripts); c.1383A>G, p.Pro461= (NM_001291937.2, NM_001369546.1); c.*59A>G (NM_001369547.1); c.954A>G, p.Pro318= (NM_001369550.1, NM_001369551.1, NM_001369552.1); c.1397-56676A>G (NM_001369532.1, NM_001369533.1, NM_001018066.3 and 2 more transcripts); c.1397-50473A>G (NM_001369537.1, NM_001018065.2); c.1361-56676A>G (NM_001369534.1); c.929-50473A>G (NM_001369536.1); and 1 more.
Identifiers: ClinVar variation 4990070 (VCV004990070.1).

ClinVar aggregate classification (germline): Likely benign (1 of 4 stars; one submission).

Conditions:
NTRK2-related disorder. Also called: NTRK2-related condition.

Submission:

PreventionGenetics, part of Exact Sciences
Classification: Likely benign for NTRK2-related condition. Last evaluated: 2025-06-10. Review status: criteria provided, single submitter. Criteria: ACMG Guidelines, 2015. Collection method: clinical testing. Allele origin: germline.
Comment: This variant is classified as likely benign based on ACMG/AMP sequence variant interpretation guidelines (Richards et al. 2015 PMID: 25741868, with internal and published modifications).